The following is an entry in ClinVar:

ClinVar aggregate classification (germline): Uncertain significance. Review status: criteria provided, multiple submitters, no conflicts (2 of 4 stars). 3 submissions from 3 submitters: Uncertain significance (2). 1 of the submissions does not count toward it. Last evaluated 2025-08-05.

Conditions:
PARN-related disorder. Also called: PARN-related disorders; PARN-related condition.
Dyskeratosis congenita, autosomal recessive 6 (DKCB6). Identifiers: MedGen C4225356, MONDO:0014600, OMIM 616353.
Pulmonary fibrosis and/or bone marrow failure, Telomere-related, 4. Also called: PULMONARY FIBROSIS AND/OR BONE MARROW FAILURE SYNDROME, TELOMERE-RELATED, 4. Identifiers: Orphanet 2032, MedGen C4225347, MONDO:0014612, OMIM 616371.
Inborn genetic diseases. Identifiers: MedGen C0950123, MeSH D030342.

Allele frequency attached by ClinVar (database versions not stated): ExAC 0.00001; gnomAD 0.00001; gnomAD exomes 0.00003 and below 0.00001; TOPMed 0.00001.
gnomAD v4.1: 45 of 1,611,768 alleles (0.0028%); highest among the groups gnomAD compares: East Asian, 0.0045%; 1 homozygote.

Submissions (3):

Labcorp Genetics (formerly Invitae), Labcorp
Classification: Uncertain significance for Dyskeratosis congenita, autosomal recessive 6; Pulmonary fibrosis and/or bone marrow failure, Telomere-related, 4. Last evaluated: 2025-08-05. Review status: criteria provided, single submitter. Criteria: Invitae Variant Classification Sherloc (09022015). Collection method: clinical testing. Allele origin: germline.
Comment: This sequence change replaces glutamic acid, which is acidic and polar, with lysine, which is basic and polar, at codon 364 of the PARN protein (p.Glu364Lys). This variant is present in population databases (rs772109946, gnomAD 0.006%). This variant has not been reported in the literature in individuals affected with PARN-related conditions. ClinVar contains an entry for this variant (Variation ID: 960353). Invitae Evidence Modeling of protein sequence and biophysical properties (such as structural, functional, and spatial information, amino acid conservation, physicochemical variation, residue mobility, and thermodynamic stability) indicates that this missense variant is not expected to disrupt PARN protein function with a negative predictive value of 80%. In summary, the available evidence is currently insufficient to determine the role of this variant in disease. Therefore, it has been classified as a Variant of Uncertain Significance.

Ambry Genetics
Classification: Uncertain significance for Inborn genetic diseases. Last evaluated: 2023-03-14. Review status: criteria provided, single submitter. Criteria: Ambry Variant Classification Scheme 2023. Collection method: clinical testing. Allele origin: germline.

PreventionGenetics, part of Exact Sciences
Classification: Uncertain significance for PARN-related condition. Last evaluated: 2024-03-05. Review status: no assertion criteria provided. Collection method: clinical testing. Allele origin: germline. Not counted in ClinVar's aggregate classification.
Comment: The PARN c.1090G>A variant is predicted to result in the amino acid substitution p.Glu364Lys. To our knowledge, this variant has not been reported in the literature. This variant is reported in 0.0056% of alleles in individuals of East Asian descent in gnomAD. At this time, the clinical significance of this variant is uncertain due to the absence of conclusive functional and genetic evidence.

NM_002582.4(PARN):c.1090G>A (p.Glu364Lys)

Gene: PARN (poly(A)-specific ribonuclease; minus strand). Cytogenetic location: 16p13.12.
Variant type: single nucleotide variant.
Coding change: c.1090G>A on transcript NM_002582.4 (MANE Select); coding-DNA position 1090, G replaced by A.
Protein change: p.Glu364Lys; replaces glutamic acid 364 with lysine.
Molecular consequence: missense variant.
Genome position (GRCh38, 1-based): chr16:14,582,283, C>T on the plus strand (G>A on the coding strand, the complement: PARN is on the minus strand). VCF-style: chr16-14582283-C-T. GRCh37 (hg19) VCF-style: chr16-14676140-C-T.
Other names: c.907G>A, p.Glu303Lys (NM_001134477.3); c.952G>A, p.Glu318Lys (NM_001242992.2); short protein forms E318K, E303K, E364K.
Identifiers: ClinVar variation 960353 (VCV000960353.11), dbSNP rs772109946, ClinGen allele CA7912147.